The following is an entry in ClinVar:

NM_001430.5(EPAS1):c.*54C>T

Gene: EPAS1 (endothelial PAS domain protein 1; plus strand). Cytogenetic location: 2p21.
Variant type: single nucleotide variant.
Coding change: c.*54C>T on transcript NM_001430.5 (MANE Select); 54 bases downstream of the stop codon, C replaced by T.
Molecular consequence: 3 prime UTR variant.
Genome position (GRCh38, 1-based): chr2:46,384,714, C>T. VCF-style: chr2-46384714-C-T. GRCh37 (hg19) VCF-style: chr2-46611853-C-T.
Identifiers: ClinVar variation 336283 (VCV000336283.5), dbSNP rs142847751, ClinGen allele CA10615356.
Genomic context (GRCh38, chr2:46,384,714, plus strand): 5'-CACCTGAGCCAGGCCTTCTACCTGGGCAGCACCTCTGCCGACGCCGTCCCACCAGCTTCA[C>T]TCTCTCCGTCTGTTTTTGCAACTAGGTATTTCTAACGCCAGCACACTATTTACAAGATGG-3'

ClinVar aggregate classification (germline): Benign (1 of 4 stars; one submission).

Conditions:
Erythrocytosis, familial, 4 (ECYT4). Identifiers: Orphanet 247511, MedGen C2673187, MONDO:0012729, OMIM 611783.

Allele frequency attached by ClinVar (database versions not stated): gnomAD 0.00331 and 0.00392; TOPMed 0.00392; 1000 Genomes Project 0.00140; 1000 Genomes Project 30x 0.00141.
gnomAD v4.1: 8,190 of 1,596,970 alleles (0.51%); highest among the groups gnomAD compares: Non-Finnish European, 0.64%; 37 homozygotes.

Submission:

Illumina Laboratory Services, Illumina
Classification: Benign for Erythrocytosis, familial, 4. Last evaluated: 2018-01-12. Review status: criteria provided, single submitter. Criteria: ICSL Variant Classification Criteria 13 December 2019. Collection method: clinical testing. Allele origin: germline.
Comment: This variant was observed in the ICSL laboratory as part of a predisposition screen in an ostensibly healthy population. It had not been previously curated by ICSL or reported in the Human Gene Mutation Database (HGMD: prior to June 1st, 2018), and was therefore a candidate for classification through an automated scoring system. Utilizing variant allele frequency, disease prevalence and penetrance estimates, and inheritance mode, an automated score was calculated to assess if this variant is too frequent to cause the disease. Based on the score and internal cut-off values, a variant classified as benign is not then subjected to further curation. The score for this variant resulted in a classification of benign for this disease.